The following is an entry in ClinVar:

ClinVar aggregate classification (germline): Uncertain significance. Review status: criteria provided, single submitter (1 of 4 stars). 2 submissions from 2 submitters: Uncertain significance (1). 1 of the submissions does not count toward it. Last evaluated 2025-07-29.

Conditions:
JKAMP neurodevelopmental disorder.
Neurodevelopmental disorder with seizures and impaired intellectual and language development. Identifiers: MedGen CN381014, MONDO:0981032, OMIM 621533.

Submissions (2):

Telethon Undiagnosed Diseases Program, Telethon Institute of Genetics and Medicine
Classification: Uncertain significance for JKAMP neurodevelopmental disorder. Last evaluated: 2025-07-29. Review status: criteria provided, single submitter. Criteria: ACMG Guidelines, 2015. Collection method: clinical testing. Allele origin: biparental. Inheritance: Autosomal recessive inheritance. Affected: yes. Observed: 1 homozygote.
Comment: Variant c.110G>A p.Gly37Glu is a missense mutation in the JKAMP gene, resulting in the substitution of glycine with glutamic acid at the amino acid position 37. This alteration is due to a single nucleotide change where guanine (G) is replaced by adenine (A) at the cDNA nucleotide position 110.

OMIM
Classification: Pathogenic for NEURODEVELOPMENTAL DISORDER WITH SEIZURES AND IMPAIRED INTELLECTUAL AND LANGUAGE DEVELOPMENT. Last evaluated: 2026-03-10. Review status: no assertion criteria provided. Collection method: literature only. Allele origin: germline. Not counted in ClinVar's aggregate classification.

Literature cited by the submitters: PubMed 41643666 (cited by OMIM).

NM_016475.5(JKAMP):c.110G>A (p.Gly37Glu)

Genes: JKAMP (JNK1/MAPK8 associated membrane protein; plus strand), L3HYPDH (trans-L-3-hydroxyproline dehydratase; minus strand). Cytogenetic location: 14q23.1.
Variant type: single nucleotide variant.
Coding change: c.110G>A on transcript NM_016475.5 (MANE Select); coding-DNA position 110, G replaced by A.
Protein change: p.Gly37Glu; replaces glycine 37 with glutamic acid.
Molecular consequence: missense variant. On other transcripts: 5 prime UTR variant (1).
Genome position (GRCh38, 1-based): chr14:59,487,687, G>A. VCF-style: chr14-59487687-G-A. GRCh37 (hg19) VCF-style: chr14-59954405-G-A.
Other names: JKAMP, GLY37GLU (SCV006279837); c.92G>A, p.Gly31Glu (NM_001098625.3); c.152G>A, p.Gly51Glu (NM_001284201.2); c.134G>A, p.Gly45Glu (NM_001284202.2); c.-80G>A (NM_001284203.2); c.110G>A, p.Gly37Glu (NM_001284204.2); short protein forms G31E, G37E, G45E, G51E.
Identifiers: ClinVar variation 4072201 (VCV004072201.2).